The following is an entry in ClinVar:

NM_000094.4(COL7A1):c.8511_8512del (p.His2838fs)

Gene: COL7A1 (collagen type VII alpha 1 chain; minus strand). Cytogenetic location: 3p21.31.
Variant type: Microsatellite.
Coding change: c.8511_8512del on transcript NM_000094.4 (MANE Select); coding-DNA positions 8511 to 8512, 2 bases deleted (TC; older notation c.8511_8512delTC).
Protein change: p.His2838fs; shifts the reading frame from histidine 2838.
Molecular consequence: frameshift variant.
Genome position (GRCh38, 1-based): chr3:48,565,425-48,565,426, GA deleted on the plus strand (TC on the coding strand, the reverse complement: COL7A1 is on the minus strand); deleting any 2 consecutive bases within chr3:48,565,425-48,565,430 gives the same sequence; the c. name uses the placement nearest the transcript's 3' end. VCF-style (leftmost placement, unchanged base first): chr3-48565424-TGA-T. GRCh37 (hg19) VCF-style: chr3-48602857-TGA-T.
Other names: short protein forms H2838fs.
Identifiers: ClinVar variation 1424212 (VCV001424212.6), dbSNP rs2107627594, ClinGen allele CA2580614226.

ClinVar aggregate classification (germline): Pathogenic (1 of 4 stars; one submission).

Submission:

Labcorp Genetics (formerly Invitae), Labcorp
Classification: Pathogenic. Last evaluated: 2020-12-31. Review status: criteria provided, single submitter. Criteria: Invitae Variant Classification Sherloc (09022015). Collection method: clinical testing. Allele origin: germline.
Comment: This variant has not been reported in the literature in individuals with COL7A1-related conditions. For these reasons, this variant has been classified as Pathogenic. This variant is not present in population databases (ExAC no frequency). This sequence change creates a premature translational stop signal (p.His2838Cysfs*10) in the COL7A1 gene. It is expected to result in an absent or disrupted protein product. Loss-of-function variants in COL7A1 are known to be pathogenic (PMID: 16971478).

Literature cited by the submitters: PubMed 16971478.